The following is an entry in ClinVar:

ClinVar aggregate classification (germline): Likely benign. Review status: criteria provided, multiple submitters, no conflicts (2 of 4 stars). 4 submissions from 4 submitters: Likely benign (4). Last evaluated 2026-01-18.

Conditions:
NDUFV1-related disorder. Also called: NDUFV1-related condition; NDUFV1-related disorders.

Allele frequency attached by ClinVar (database versions not stated): gnomAD exomes 0.00004 and 0.00009; ExAC 0.00013; ESP Exome Variant Server 0.00015; gnomAD 0.00025 and 0.00027; TOPMed 0.00029; 1000 Genomes Project 30x 0.00062; 1000 Genomes Project 0.00080.

Submissions (4):

Labcorp Genetics (formerly Invitae), Labcorp
Classification: Likely benign. Last evaluated: 2026-01-18. Review status: criteria provided, single submitter. Criteria: Invitae Variant Classification Sherloc (09022015). Collection method: clinical testing. Allele origin: germline.

Blueprint Genetics
Classification: Likely benign. Last evaluated: 2024-11-26. Review status: criteria provided, single submitter. Criteria: ACMG Guidelines, 2015. Collection method: clinical testing. Allele origin: germline.

PreventionGenetics, part of Exact Sciences
Classification: Likely benign for NDUFV1-related condition. Last evaluated: 2024-10-09. Review status: criteria provided, single submitter. Criteria: ACMG Guidelines, 2015. Collection method: clinical testing. Allele origin: germline.
Comment: This variant is classified as likely benign based on ACMG/AMP sequence variant interpretation guidelines (Richards et al. 2015 PMID: 25741868, with internal and published modifications).

GeneDx
Classification: Likely benign. Last evaluated: 2016-07-20. Review status: criteria provided, single submitter. Criteria: GeneDx Variant Classification (06012015). Collection method: clinical testing. Allele origin: germline. Affected: yes.
Comment: This variant is considered likely benign or benign based on one or more of the following criteria: it is a conservative change, it occurs at a poorly conserved position in the protein, it is predicted to be benign by multiple in silico algorithms, and/or has population frequency not consistent with disease.

NM_007103.4(NDUFV1):c.354C>T (p.Asp118=)

Gene: NDUFV1 (NADH:ubiquinone oxidoreductase core subunit V1; plus strand). Cytogenetic location: 11q13.2.
Variant type: single nucleotide variant.
Coding change: c.354C>T on transcript NM_007103.4 (MANE Select); coding-DNA position 354, C replaced by T.
Protein change: p.Asp118=; no amino-acid change (aspartic acid 118 retained).
Molecular consequence: synonymous variant.
Genome position (GRCh38, 1-based): chr11:67,609,479, C>T. VCF-style: chr11-67609479-C-T. GRCh37 (hg19) VCF-style: chr11-67376950-C-T.
Other names: c.327C>T, p.Asp109= (NM_001166102.2).
Identifiers: ClinVar variation 378261 (VCV000378261.11), dbSNP rs199702939, ClinGen allele CA6143154.